The following is an entry in ClinVar:

NM_002528.7(NTHL1):c.777G>T (p.Glu259Asp)

Gene: NTHL1 (nth like DNA glycosylase 1; minus strand). Cytogenetic location: 16p13.3.
Variant type: single nucleotide variant.
Coding change: c.777G>T on transcript NM_002528.7 (MANE Select); coding-DNA position 777, G replaced by T.
Protein change: p.Glu259Asp; replaces glutamic acid 259 with aspartic acid.
Molecular consequence: missense variant.
Genome position (GRCh38, 1-based): chr16:2,040,147, C>A on the plus strand (G>T on the coding strand, the complement: NTHL1 is on the minus strand). VCF-style: chr16-2040147-C-A. GRCh37 (hg19) VCF-style: chr16-2090148-C-A.
Other names: c.606G>T, p.Glu202Asp (NM_001318193.2); c.447G>T, p.Glu149Asp (NM_001318194.2); short protein forms E202D, E259D, E149D.
Identifiers: ClinVar variation 2750815 (VCV002750815.3), dbSNP rs1596216334, ClinGen allele CA394288720.

ClinVar aggregate classification (germline): Uncertain significance (1 of 4 stars; one submission).

Submission:

Labcorp Genetics (formerly Invitae), Labcorp
Classification: Uncertain significance. Last evaluated: 2023-08-07. Review status: criteria provided, single submitter. Criteria: Invitae Variant Classification Sherloc (09022015). Collection method: clinical testing. Allele origin: germline.
Comment: This sequence change replaces glutamic acid, which is acidic and polar, with aspartic acid, which is acidic and polar, at codon 267 of the NTHL1 protein (p.Glu267Asp). In summary, the available evidence is currently insufficient to determine the role of this variant in disease. Therefore, it has been classified as a Variant of Uncertain Significance. An algorithm developed to predict the effect of missense changes on protein structure and function (PolyPhen-2) suggests that this variant is likely to be disruptive. This variant has not been reported in the literature in individuals affected with NTHL1-related conditions. This variant is not present in population databases (gnomAD no frequency).